The following is an entry in ClinVar:

NM_030665.4(RAI1):c.4562G>T (p.Arg1521Met)

Gene: RAI1 (retinoic acid induced 1; plus strand). Cytogenetic location: 17p11.2.
Variant type: single nucleotide variant.
Coding change: c.4562G>T on transcript NM_030665.4 (MANE Select); coding-DNA position 4562, G replaced by T.
Protein change: p.Arg1521Met; replaces arginine 1521 with methionine.
Molecular consequence: missense variant.
Genome position (GRCh38, 1-based): chr17:17,797,510, G>T. VCF-style: chr17-17797510-G-T. GRCh37 (hg19) VCF-style: chr17-17700824-G-T.
Other names: short protein forms R1521M.
Identifiers: ClinVar variation 4742377 (VCV004742377.1).

ClinVar aggregate classification (germline): Uncertain significance (1 of 4 stars; one submission).

Submission:

Labcorp Genetics (formerly Invitae), Labcorp
Classification: Uncertain significance. Last evaluated: 2025-05-21. Review status: criteria provided, single submitter. Criteria: Invitae Variant Classification Sherloc (09022015). Collection method: clinical testing. Allele origin: germline.
Comment: This sequence change replaces arginine, which is basic and polar, with methionine, which is neutral and non-polar, at codon 1521 of the RAI1 protein (p.Arg1521Met). This variant is not present in population databases (gnomAD no frequency). This variant has not been reported in the literature in individuals affected with RAI1-related conditions. Invitae Evidence Modeling of protein sequence and biophysical properties (such as structural, functional, and spatial information, amino acid conservation, physicochemical variation, residue mobility, and thermodynamic stability) indicates that this missense variant is not expected to disrupt RAI1 protein function with a negative predictive value of 80%. In summary, the available evidence is currently insufficient to determine the role of this variant in disease. Therefore, it has been classified as a Variant of Uncertain Significance.